The following is an entry in ClinVar:

NM_000166.6(GJB1):c.53C>G (p.Thr18Ser)

Gene: GJB1 (gap junction protein beta 1; plus strand). Cytogenetic location: Xq13.1.
Variant type: single nucleotide variant.
Coding change: c.53C>G on transcript NM_000166.6 (MANE Select); coding-DNA position 53, C replaced by G.
Protein change: p.Thr18Ser; replaces threonine 18 with serine.
Molecular consequence: missense variant.
Genome position (GRCh38, 1-based): chrX:71,223,760, C>G. VCF-style: chrX-71223760-C-G. GRCh37 (hg19) VCF-style: chrX-70443610-C-G.
Other names: c.53C>G, p.Thr18Ser (NM_001097642.3); short protein forms T18S.
Identifiers: ClinVar variation 477601 (VCV000477601.8), dbSNP rs1555937015, ClinGen allele CA413500639.

ClinVar aggregate classification (germline): Likely pathogenic (1 of 4 stars; one submission).

Conditions:
Charcot-Marie-Tooth Neuropathy X. Identifiers: MedGen CN118851.

Submission:

Labcorp Genetics (formerly Invitae), Labcorp
Classification: Likely pathogenic for Charcot-Marie-Tooth Neuropathy X. Last evaluated: 2017-09-05. Review status: criteria provided, single submitter. Criteria: Invitae Variant Classification Sherloc (09022015). Collection method: clinical testing. Allele origin: germline.
Comment: This sequence change replaces threonine with serine at codon 18 of the GJB1 protein (p.Thr18Ser). The threonine residue is highly conserved and there is a small physicochemical difference between threonine and serine. In summary, the currently available evidence indicates that the variant is pathogenic, but additional data are needed to prove that conclusively. Therefore, this variant has been classified as Likely Pathogenic. Algorithms developed to predict the effect of sequence changes on RNA splicing suggest that this variant may create or strengthen a splice site, but this prediction has not been confirmed by published transcriptional studies. Algorithms developed to predict the effect of missense changes on protein structure and function do not agree on the potential impact of this missense change (SIFT: "Deleterious"; PolyPhen-2: "Probably Damaging"; Align-GVGD: "Class C0"). This variant is not present in population databases (ExAC no frequency).